The following is an entry in ClinVar:

ClinVar aggregate classification (germline): Likely pathogenic (1 of 4 stars; one submission).

Conditions:
Hypertrophic cardiomyopathy 26. Also called: Cardiomyopathy, familial hypertrophic, 26. Identifiers: Orphanet 75249, MedGen C4310749, MONDO:0014883, OMIM 617047.
Myofibrillar myopathy 5. Also called: Filaminopathy (type); FILAMINOPATHY, AUTOSOMAL DOMINANT. Identifiers: Orphanet 171445, MedGen C1836050, MONDO:0012289, OMIM 609524.
Distal myopathy with posterior leg and anterior hand involvement. Also called: WILLIAMS DISTAL MYOPATHY. Identifiers: Orphanet 63273, MedGen C3279722, MONDO:0013550, OMIM 614065.

Submission:

Juno Genomics, Hangzhou Juno Genomics, Inc
Classification: Likely pathogenic for Hypertrophic cardiomyopathy 26; Distal myopathy with posterior leg and anterior hand involvement; Myofibrillar myopathy 5. Review status: criteria provided, single submitter. Criteria: ACMG Guidelines, 2015. Collection method: clinical testing. Allele origin: germline.
Comment: Absent from controls (or at extremely low frequency if recessive) in Genome Aggregation Database.;Null variant in a gene where loss of function (LOF) is a known mechanism of disease.

NM_001458.5(FLNC):c.5424_5425dup (p.Thr1809fs)

Genes: FLNC (filamin C; plus strand), FLNC-AS1 (FLNC antisense RNA 1; minus strand). Cytogenetic location: 7q32.1.
Variant type: Duplication.
Coding change: c.5424_5425dup on transcript NM_001458.5 (MANE Select); coding-DNA positions 5424 to 5425, 2 bases duplicated (GA; older notation c.5424_5425dupGA).
Protein change: p.Thr1809fs; shifts the reading frame from threonine 1809.
Molecular consequence: frameshift variant.
Genome position (GRCh38, 1-based): chr7:128,850,828-128,850,829, GA duplicated; duplicating any 2 consecutive bases within chr7:128,850,827-128,850,829 gives the same sequence; the c. name uses the placement nearest the transcript's 3' end. VCF-style (leftmost placement, unchanged base first): chr7-128850826-A-AAG. GRCh37 (hg19) VCF-style: chr7-128490880-A-AAG.
Other names: c.5325_5326dup, p.Thr1776fs (NM_001127487.2); short protein forms T1776fs, T1809fs.
Identifiers: ClinVar variation 4796611 (VCV004796611.2).